The following is an entry in ClinVar:

ClinVar aggregate classification (germline): Pathogenic (1 of 4 stars; one submission).

Submission:

Labcorp Genetics (formerly Invitae), Labcorp
Classification: Pathogenic. Last evaluated: 2020-09-11. Review status: criteria provided, single submitter. Criteria: Invitae Variant Classification Sherloc (09022015). Collection method: clinical testing. Allele origin: germline.
Comment: For these reasons, this variant has been classified as Pathogenic. This variant disrupts the p.Pro347 amino acid residue in RHO. Other variant(s) that disrupt this residue have been determined to be pathogenic (PMID: 2215617, 25221422). This suggests that this residue is clinically significant, and that variants that disrupt this residue are likely to be disease-causing. Advanced modeling of protein sequence and biophysical properties (such as structural, functional, and spatial information, amino acid conservation, physicochemical variation, residue mobility, and thermodynamic stability) performed at Invitae indicates that this missense variant is expected to disrupt RHO protein function. This variant has been observed in individual(s) with autosomal dominant retinitis pigmentosa (PMID: 11139241, 26202387, 10967073). This variant is not present in population databases (ExAC no frequency). This sequence change replaces proline with threonine at codon 347 of the RHO protein (p.Pro347Thr). The proline residue is highly conserved and there is a small physicochemical difference between proline and threonine.

Literature cited by the submitters: PubMed 2215617; PubMed 25221422; PubMed 11139241; PubMed 26202387; PubMed 10967073.

NM_000539.3(RHO):c.1039C>A (p.Pro347Thr)

Gene: RHO (rhodopsin; plus strand). Cytogenetic location: 3q22.1.
Variant type: single nucleotide variant.
Coding change: c.1039C>A on transcript NM_000539.3 (MANE Select); coding-DNA position 1039, C replaced by A.
Protein change: p.Pro347Thr; replaces proline 347 with threonine.
Molecular consequence: missense variant.
Genome position (GRCh38, 1-based): chr3:129,533,710, C>A. VCF-style: chr3-129533710-C-A. GRCh37 (hg19) VCF-style: chr3-129252553-C-A.
Other names: short protein forms P347T.
Identifiers: ClinVar variation 1070044 (VCV001070044.9), dbSNP rs29001637, ClinGen allele CA354471278.
Genomic context (GRCh38, chr3:129,533,710, plus strand): 5'-CCACTGGGTGACGATGAGGCCTCTGCTACCGTGTCCAAGACGGAGACGAGCCAGGTGGCC[C>A]CGGCCTAAGACCTGCCTAGGACTCTGTGGCCGACTATAGGCGTCTCCCATCCCCTACACC-3'
Protein context (NP_000530.1, residues 337-348): VSKTETSQVA[Pro347Thr]A